The following is an entry in ClinVar:

NM_001458.5(FLNC):c.3680C>T (p.Thr1227Ile)

Gene: FLNC (filamin C; plus strand). Cytogenetic location: 7q32.1.
Variant type: single nucleotide variant.
Coding change: c.3680C>T on transcript NM_001458.5 (MANE Select); coding-DNA position 3680, C replaced by T.
Protein change: p.Thr1227Ile; replaces threonine 1227 with isoleucine.
Molecular consequence: missense variant.
Genome position (GRCh38, 1-based): chr7:128,845,145, C>T. VCF-style: chr7-128845145-C-T. GRCh37 (hg19) VCF-style: chr7-128485199-C-T.
Other names: c.3680C>T, p.Thr1227Ile (NM_001127487.2); short protein forms T1227I.
Identifiers: ClinVar variation 539444 (VCV000539444.22), dbSNP rs373573447, ClinGen allele CA4475098.

ClinVar aggregate classification (germline): Conflicting classifications of pathogenicity. Review status: criteria provided, conflicting classifications (1 of 4 stars). 8 submissions from 8 submitters: Uncertain significance (7); Likely benign (1). Last evaluated 2026-01-26.

Conditions:
Cardiovascular phenotype. Identifiers: MedGen CN230736.
Hypertrophic cardiomyopathy 26. Also called: Cardiomyopathy, familial hypertrophic, 26. Identifiers: Orphanet 75249, MedGen C4310749, MONDO:0014883, OMIM 617047.
Distal myopathy with posterior leg and anterior hand involvement. Also called: WILLIAMS DISTAL MYOPATHY. Identifiers: Orphanet 63273, MedGen C3279722, MONDO:0013550, OMIM 614065.
Myofibrillar myopathy 5. Also called: Filaminopathy (type); FILAMINOPATHY, AUTOSOMAL DOMINANT. Identifiers: Orphanet 171445, MedGen C1836050, MONDO:0012289, OMIM 609524.
FLNC-related disorder. Also called: FLNC-related disorders; FLNC-related condition.

Allele frequency attached by ClinVar (database versions not stated): TOPMed 0.00002; gnomAD 0.00003 and 0.00004; gnomAD exomes 0.00003; ESP Exome Variant Server 0.00008; ExAC 0.00002.

Submissions (8):

Labcorp Genetics (formerly Invitae), Labcorp
Classification: Uncertain significance for Distal myopathy with posterior leg and anterior hand involvement; Myofibrillar myopathy 5; Hypertrophic cardiomyopathy 26. Last evaluated: 2026-01-26. Review status: criteria provided, single submitter. Criteria: Invitae Variant Classification Sherloc (09022015). Collection method: clinical testing. Allele origin: germline.
Comment: This sequence change replaces threonine, which is neutral and polar, with isoleucine, which is neutral and non-polar, at codon 1227 of the FLNC protein (p.Thr1227Ile). This variant is present in population databases (rs373573447, gnomAD 0.006%). This missense change has been observed in individuals with hypertrophic cardiomyopathy (PMID: 30418145). ClinVar contains an entry for this variant (Variation ID: 539444). Invitae Evidence Modeling of protein sequence and biophysical properties (such as structural, functional, and spatial information, amino acid conservation, physicochemical variation, residue mobility, and thermodynamic stability) has been performed for this missense variant. However, the output from this modeling did not meet the statistical confidence thresholds required to predict the impact of this variant on FLNC protein function. In summary, the available evidence is currently insufficient to determine the role of this variant in disease. Therefore, it has been classified as a Variant of Uncertain Significance.

Dasa
Classification: Uncertain significance. Last evaluated: 2025-09-19. Review status: criteria provided, single submitter. Criteria: DASA Assertion Criteria. Collection method: clinical testing. Allele origin: germline.
Comment: NM_001458.5(FLNC):c.3680C>T (p.Thr1227Ile) is a missense variant that results in the substitution of threonine with isoleucine. This variant is rare in population databases. The currently available literature and clinical evidence are not sufficient to establish a definitive association between this variant and the reported condition. Therefore, this variant is classified as a variant of uncertain significance.

Ambry Genetics
Classification: Uncertain significance for Cardiovascular phenotype. Last evaluated: 2025-08-14. Review status: criteria provided, single submitter. Criteria: Ambry Variant Classification Scheme 2023. Collection method: clinical testing. Allele origin: germline.
Comment: The p.T1227I variant (also known as c.3680C>T), located in coding exon 21 of the FLNC gene, results from a C to T substitution at nucleotide position 3680. The threonine at codon 1227 is replaced by isoleucine, an amino acid with similar properties. This variant was reported in individual(s) with features consistent with hypertrophic cardiomyopathy, dilated cardiomyopathy, and sudden death; however, clinical details were limited (Ader F et al. Med Sci (Paris), 2018 Nov;34 Hors s&eacute;rie n&deg;2:39-41; Janin A et al. Mol Diagn Ther, 2021 May;25:373-385; Perret C et al. Clin Genet, 2024 Feb;105:185-189). This amino acid position is well conserved in available vertebrate species. In addition, the in silico prediction for this alteration is inconclusive. Based on the available evidence, the clinical significance of this variant remains unclear.

PreventionGenetics, part of Exact Sciences
Classification: Uncertain significance for FLNC-related condition. Last evaluated: 2025-06-30. Review status: criteria provided, single submitter. Criteria: ACMG Guidelines, 2015. Collection method: clinical testing. Allele origin: germline.
Comment: The FLNC c.3680C>T variant is predicted to result in the amino acid substitution p.Thr1227Ile. This variant has been reported in individuals with hypertrophic cardiomyopathy; however, detailed clinical information of these individuals was not provided (Ader et al. 2018. PubMed ID: 30418145). This variant is reported in 0.0063% of alleles in individuals of European (Non-Finnish) descent in gnomAD. At this time, the clinical significance of this variant is uncertain due to the absence of conclusive functional and genetic evidence.

Molecular Diagnostic Laboratory for Inherited Cardiovascular Disease, Montreal Heart Institute
Classification: Uncertain significance for Cardiovascular phenotype. Last evaluated: 2025-04-09. Review status: criteria provided, single submitter. Criteria: ACMG Guidelines, 2015. Collection method: clinical testing. Allele origin: germline. Affected: yes.

Blueprint Genetics
Classification: Uncertain significance. Last evaluated: 2024-07-11. Review status: criteria provided, single submitter. Criteria: ACMG Guidelines, 2015. Collection method: clinical testing. Allele origin: germline.

GeneDx
Classification: Likely benign. Last evaluated: 2020-04-08. Review status: criteria provided, single submitter. Criteria: GeneDx Variant Classification Process June 2021. Collection method: clinical testing. Allele origin: germline. Affected: yes.
Comment: In silico analysis supports that this missense variant has a deleterious effect on protein structure/function; This variant is associated with the following publications: (PMID: 30418145)

Revvity Omics, Revvity
Classification: Uncertain significance. Last evaluated: 2019-11-26. Review status: criteria provided, single submitter. Criteria: ACMG Guidelines, 2015. Collection method: clinical testing. Allele origin: germline.

Literature cited by the submitters: PubMed 30418145 (cited by Labcorp Genetics (formerly Invitae), Labcorp and Ambry Genetics); PubMed 33954932 (cited by Ambry Genetics); PubMed 37904629 (cited by Ambry Genetics).